The following is an entry in ClinVar:

NM_001286445.3(RIPOR2):c.1069G>A (p.Gly357Ser)

Gene: RIPOR2 (RHO family interacting cell polarization regulator 2; minus strand). Cytogenetic location: 6p22.3.
Variant type: single nucleotide variant.
Coding change: c.1069G>A on transcript NM_001286445.3 (MANE Select); coding-DNA position 1069, G replaced by A.
Protein change: p.Gly357Ser; replaces glycine 357 with serine.
Molecular consequence: missense variant.
Genome position (GRCh38, 1-based): chr6:24,848,120, C>T on the plus strand (G>A on the coding strand, the complement: RIPOR2 is on the minus strand). VCF-style: chr6-24848120-C-T. GRCh37 (hg19) VCF-style: chr6-24848348-C-T.
Other names: c.1084G>A, p.Gly362Ser (NM_001286446.3); c.982G>A, p.Gly328Ser (NM_001286447.2, NM_001346031.2, NM_001346032.2 and 2 more transcripts); short protein forms G328S, G357S, G362S.
Identifiers: ClinVar variation 4071698 (VCV004071698.1).

ClinVar aggregate classification (germline): Uncertain significance (1 of 4 stars; one submission).

Submission:

GeneDx
Classification: Uncertain significance. Last evaluated: 2025-01-23. Review status: criteria provided, single submitter. Criteria: GeneDx Variant Classification Process June 2021. Collection method: clinical testing. Allele origin: germline. Affected: yes.
Comment: Not observed at significant frequency in large population cohorts (gnomAD); In silico analysis indicates that this missense variant does not alter protein structure/function; Has not been previously published as pathogenic or benign to our knowledge